The following is an entry in ClinVar:

NM_002469.3(MYF6):c.46G>A (p.Asp16Asn)

Gene: MYF6 (myogenic factor 6; plus strand). Cytogenetic location: 12q21.31.
Variant type: single nucleotide variant.
Coding change: c.46G>A on transcript NM_002469.3 (MANE Select); coding-DNA position 46, G replaced by A.
Protein change: p.Asp16Asn; replaces aspartic acid 16 with asparagine.
Molecular consequence: missense variant.
Genome position (GRCh38, 1-based): chr12:80,707,765, G>A. VCF-style: chr12-80707765-G-A. GRCh37 (hg19) VCF-style: chr12-81101544-G-A.
Other names: short protein forms D16N.
Identifiers: ClinVar variation 472756 (VCV000472756.11), dbSNP rs749523828, ClinGen allele CA6703016.

ClinVar aggregate classification (germline): Uncertain significance. Review status: criteria provided, multiple submitters, no conflicts (2 of 4 stars). 2 submissions from 2 submitters: Uncertain significance (2). Last evaluated 2025-02-19.

Conditions:
Autosomal dominant centronuclear myopathy. Also called: MYOTUBULAR MYOPATHY, AUTOSOMAL DOMINANT; Myopathy, centronuclear, 3. Identifiers: Orphanet 169189, MedGen C4551952, MeSH D020914, MONDO:0008048, OMIM 160150.

Allele frequency attached by ClinVar (database versions not stated): gnomAD exomes below 0.00001 and 0.00001; ExAC 0.00001; gnomAD 0.00001; TOPMed 0.00002.
gnomAD v4.1: 6 of 1,614,022 alleles (0.00037%); highest among the groups gnomAD compares: Non-Finnish European, 0.00051%; no homozygotes.

Submissions (2):

Ambry Genetics
Classification: Uncertain significance. Last evaluated: 2025-02-19. Review status: criteria provided, single submitter. Criteria: Ambry Variant Classification Scheme 2023. Collection method: clinical testing. Allele origin: germline.

Labcorp Genetics (formerly Invitae), Labcorp
Classification: Uncertain significance for Autosomal dominant centronuclear myopathy. Last evaluated: 2017-05-01. Review status: criteria provided, single submitter. Criteria: Invitae Variant Classification Sherloc (09022015). Collection method: clinical testing. Allele origin: germline.
Comment: In summary, this variant is a rare missense change with uncertain impact on protein function. There is no indication that it causes disease, but the available evidence is currently insufficient to prove that conclusively. Therefore, it has been classified as a Variant of Uncertain Significance. Algorithms developed to predict the effect of missense changes on protein structure and function do not agree on the potential impact of this missense change (SIFT: "Tolerated"; PolyPhen-2: "Probably Damaging"; Align-GVGD: "Class C0"). This variant is present in population databases (rs749523828, ExAC 0.001%) but has not been reported in the literature in individuals with an MYF6-related disease. This sequence change replaces aspartic acid with asparagine at codon 16 of the MYF6 protein (p.Asp16Asn). The aspartic acid residue is highly conserved and there is a small physicochemical difference between aspartic acid and asparagine.